The following is an entry in ClinVar:

NM_138694.4(PKHD1):c.5935G>A (p.Gly1979Arg)

Gene: PKHD1 (PKHD1 ciliary IPT domain containing fibrocystin/polyductin; minus strand). Cytogenetic location: 6p12.2.
Variant type: single nucleotide variant.
Coding change: c.5935G>A on transcript NM_138694.4 (MANE Select); coding-DNA position 5935, G replaced by A.
Protein change: p.Gly1979Arg; replaces glycine 1979 with arginine.
Molecular consequence: missense variant.
Genome position (GRCh38, 1-based): chr6:51,934,296, C>T on the plus strand (G>A on the coding strand, the complement: PKHD1 is on the minus strand). VCF-style: chr6-51934296-C-T. GRCh37 (hg19) VCF-style: chr6-51799094-C-T.
Other names: c.5935G>A, p.Gly1979Arg (NM_170724.3); c.5935G>A (NM_138694.3); short protein forms G1979R.
Identifiers: ClinVar variation 997307 (VCV000997307.15), dbSNP rs1583446897, ClinGen allele CA364417956.

ClinVar aggregate classification (germline): Pathogenic/Likely pathogenic. Review status: criteria provided, multiple submitters, no conflicts (2 of 4 stars). 6 submissions from 6 submitters: Pathogenic (4); Likely pathogenic (1). 1 of the submissions does not count toward it. Last evaluated 2026-01-22.

Conditions:
Autosomal recessive polycystic kidney disease (ARPKD). Also called: AR polycystic kidney disease. Identifiers: Orphanet 731, Orphanet 8378, MedGen C0085548, MeSH D017044, MONDO:0009889.
Polycystic kidney disease. Also called: Polycystic kidney dysplasia; Kidney, Polycystic. Identifiers: MedGen C0022680, MeSH D007690, MONDO:0020642, HP:0000113.
Polycystic kidney disease 4 (PKD4). Also called: POLYCYSTIC KIDNEY AND HEPATIC DISEASE 1; POLYCYSTIC KIDNEY DISEASE, INFANTILE, TYPE I; POLYCYSTIC KIDNEY DISEASE 4 WITH OR WITHOUT POLYCYSTIC LIVER DISEASE; PKD3; Autosomal Recessive Polycystic Kidney Disease – PKHD1. Identifiers: MedGen C4540575, MONDO:0033004, OMIM 263200.

Allele frequency attached by ClinVar (database versions not stated): gnomAD exomes 0.00001.
gnomAD v4.1: 3 of 1,612,708 alleles (0.00019%); highest among the groups gnomAD compares: East Asian, 0.0067%; no homozygotes.

Submissions (6):

Natera, Inc.
Classification: Pathogenic for Autosomal recessive polycystic kidney disease. Last evaluated: 2026-01-22. Review status: criteria provided, single submitter. Criteria: Natera Variant Classification Schema (03/2026). Collection method: clinical testing. Allele origin: germline.
Comment: The c.5935G>A variant in PKHD1 is a missense variant predicted to cause substitution of glycine to arginine at amino acid 1979. This variant is rare in the general population with a frequency below the threshold expected for the associated phenotype(s). This variant has been observed in one or more individuals affected with the associated recessive disease, as either homozygous or compound heterozygous with a second variant (PMID: 33255631, 33123899, 34031707). Computational prediction algorithms indicate this variant is likely to affect gene or protein function. Given the available evidence, this variant is classified as Pathogenic.

Labcorp Genetics (formerly Invitae), Labcorp
Classification: Pathogenic for Autosomal recessive polycystic kidney disease. Last evaluated: 2024-08-27. Review status: criteria provided, single submitter. Criteria: Invitae Variant Classification Sherloc (09022015). Collection method: clinical testing. Allele origin: germline.
Comment: This sequence change replaces glycine, which is neutral and non-polar, with arginine, which is basic and polar, at codon 1979 of the PKHD1 protein (p.Gly1979Arg). This variant is not present in population databases (gnomAD no frequency). This missense change has been observed in individual(s) with PKHD1-related conditions (PMID: 22882926, 31328266, 31813136, 34032358). In at least one individual the data is consistent with being in trans (on the opposite chromosome) from a pathogenic variant. ClinVar contains an entry for this variant (Variation ID: 997307). Invitae Evidence Modeling of protein sequence and biophysical properties (such as structural, functional, and spatial information, amino acid conservation, physicochemical variation, residue mobility, and thermodynamic stability) indicates that this missense variant is expected to disrupt PKHD1 protein function with a positive predictive value of 80%. For these reasons, this variant has been classified as Pathogenic.

GeneDx
Classification: Pathogenic. Last evaluated: 2023-10-12. Review status: criteria provided, single submitter. Criteria: GeneDx Variant Classification Process June 2021. Collection method: clinical testing. Allele origin: germline. Affected: yes.
Comment: Not observed at significant frequency in large population cohorts (gnomAD); In silico analysis supports that this missense variant has a deleterious effect on protein structure/function; This variant is associated with the following publications: (PMID: 31328266, 33123899, 34032358, 34536170, 22882926, 31813136)

Fulgent Genetics
Classification: Likely pathogenic for Polycystic kidney disease 4. Last evaluated: 2022-04-13. Review status: criteria provided, single submitter. Criteria: ACMG Guidelines, 2015. Collection method: clinical testing. Allele origin: unknown.

Juno Genomics, Hangzhou Juno Genomics, Inc
Classification: Pathogenic for Polycystic kidney disease 4. Review status: criteria provided, single submitter. Criteria: ACMG Guidelines, 2015. Collection method: clinical testing. Allele origin: germline.
Comment: Absent from controls (or at extremely low frequency if recessive) in Genome Aggregation Database.;For recessive disorders, detected in trans with a pathogenic variant.;Patient's phenotype or family history is highly specific for a disease with a single genetic etiology.

Department of Pathology and Laboratory Medicine, Sinai Health System
Classification: Likely pathogenic for Polycystic Kidney disease. Review status: no assertion criteria provided. Collection method: clinical testing. Allele origin: unknown. Affected: yes. Study: The Canadian Open Genetics Repository (COGR). Not counted in ClinVar's aggregate classification.
Comment: The PKHD1 p.Gly1979Arg variant was identified in the literature in one study in a patient with autosomal recessive polycystic kidney disease (Zhang 2012). The variant was not identified in the following databases: dbSNP, ClinVar, Clinvitae, LOVD 3.0, or the RWTH AAachen University ARPKD database. The variant was not identified in the control databases: the 1000 Genomes Project, the NHLBI GO Exome Sequencing Project, the Exome Aggregation Consortium (August 8th 2016), or the Genome Aggregation Database (Feb 27, 2017). The p.Gly1979Arg residue is conserved across mammals and other organisms, and four out of five computational analyses (PolyPhen-2, SIFT, AlignGVGD, BLOSUM, MutationTaster) suggest that the variant may impact the protein; however, this information is not predictive enough to assume pathogenicity. The variant occurs outside of the splicing consensus sequence and 2 of 5 in silico or computational prediction software programs (SpliceSiteFinder, MaxEntScan, NNSPLICE, GeneSplicer, HumanSpliceFinder) predict a greater than 10% difference in splicing; this is not very predictive of pathogenicity. In summary, based on the above information the clinical significance of this variant cannot be determined with certainty at this time although we would lean towards a more pathogenic role for this variant. This variant is classified as likely pathogenic.

Literature cited by the submitters: PubMed 33255631 (cited by Natera, Inc.); PubMed 33123899 (cited by Natera, Inc.); PubMed 34031707 (cited by Natera, Inc.); PubMed 22882926 (cited by Labcorp Genetics (formerly Invitae), Labcorp); PubMed 31328266 (cited by Labcorp Genetics (formerly Invitae), Labcorp); PubMed 31813136 (cited by Labcorp Genetics (formerly Invitae), Labcorp); PubMed 34032358 (cited by Labcorp Genetics (formerly Invitae), Labcorp).